The following is an entry in ClinVar:

ClinVar aggregate classification (germline): Pathogenic. Review status: criteria provided, multiple submitters, no conflicts (2 of 4 stars). 2 submissions from 2 submitters: Pathogenic (2). Last evaluated 2026-03-02.

Conditions:
Spondylocostal dysostosis 2, autosomal recessive (SCDO2). Also called: MESP2-Related Spondylocostal Dysostosis, Autosomal Recessive; Spondylocostal dysostosis type 2. Identifiers: Orphanet 2311, MedGen C1837549, MONDO:0012097, OMIM 608681.

Submissions (2):

Myriad Genetics, Inc.
Classification: Pathogenic for Spondylocostal dysostosis 2, autosomal recessive. Last evaluated: 2026-03-02. Review status: criteria provided, single submitter. Criteria: Myriad Autosomal Dominant, Autosomal Recessive and X-Linked Classification Criteria (2023). Collection method: clinical testing. Allele origin: unknown.
Comment: NM_001039958.1(MESP2):c.281dupT(M94Ifs*273) is a frameshift variant classified as pathogenic in the context of spondylothoracic dysostosis. M94Ifs*273 has not been observed in cases with relevant disease. Relevant functional assessments of this variant are not available in the literature. M94Ifs*273 has not been observed in referenced population frequency databases. In summary, NM_001039958.1(MESP2):c.281dupT(M94Ifs*273) is a frameshift variant in a gene where loss of function is a known mechanism of disease and is predicted to disrupt protein function. Please note: this variant was assessed in the context of healthy population screening.

Labcorp Genetics (formerly Invitae), Labcorp
Classification: Pathogenic. Last evaluated: 2020-06-26. Review status: criteria provided, single submitter. Criteria: Invitae Variant Classification Sherloc (09022015). Collection method: clinical testing. Allele origin: germline.
Comment: For these reasons, this variant has been classified as Pathogenic. This variant disrupts the C-terminus of the MESP2 protein. Other variant(s) that disrupt this region (p.Gly169Profs*199) have been determined to be pathogenic (PMID: 15122512, 18485326). This suggests that variants that disrupt this region of the protein are likely to be causative of disease. This variant has not been reported in the literature in individuals with MESP2-related conditions. The frequency data for this variant in the population databases is considered unreliable, as metrics indicate insufficient coverage at this position in the ExAC database. This sequence change results in a premature translational stop signal in the MESP2 gene (p.Met94Ilefs*273). While this is not anticipated to result in nonsense mediated decay, it is expected to disrupt the last 240 amino acids of the MESP2 protein.

Literature cited by the submitters: PubMed 15122512 (cited by Labcorp Genetics (formerly Invitae), Labcorp); PubMed 18485326 (cited by Labcorp Genetics (formerly Invitae), Labcorp).

NM_001039958.2(MESP2):c.281dup (p.Met94fs)

Genes: MESP2 (mesoderm posterior bHLH transcription factor 2; plus strand), LOC130057891 (ATAC-STARR-seq lymphoblastoid silent region 6806; plus strand). Cytogenetic location: 15q26.1.
Variant type: Duplication.
Coding change: c.281dup on transcript NM_001039958.2 (MANE Select); coding-DNA position 281, one base duplicated (T; older notation c.281dupT).
Protein change: p.Met94fs; shifts the reading frame from methionine 94.
Molecular consequence: frameshift variant.
Genome position (GRCh38, 1-based): chr15:89,776,638, T duplicated. VCF-style (leftmost placement, unchanged base first): chr15-89776637-A-AT. GRCh37 (hg19) VCF-style: chr15-90319868-A-AT.
Other names: short protein forms M94fs.
Identifiers: ClinVar variation 951955 (VCV000951955.11), dbSNP rs1968366995, ClinGen allele CA1139664151.
Genomic context (GRCh38, chr15:89,776,637, plus strand): 5'-GCGCGCACCGGACCAGCGGGCGGACAGCGGCAGAGCGCCAGCGAGCGGGAGAAACTGCGC[A>AT]TGCGCACGCTGGCCCGCGCCCTGCACGAGTTGCGCCGCTTTCTGCCTCCCTCCTTGGCGC-3'